The following is an entry in ClinVar:

ClinVar aggregate classification (germline): Uncertain significance. Review status: criteria provided, multiple submitters, no conflicts (2 of 4 stars). 4 submissions from 4 submitters: Uncertain significance (4). Last evaluated 2026-07-19.

Conditions:
IFIH1-related disorder. Also called: IFIH1-related condition.
Singleton-Merten syndrome 1 (SGMRT1). Also called: Widened medullary cavities of bone, aortic calcification, abnormal dentition, and muscular weakness; Syndrome of widened medullary cavities of the metacarpals and phalanges, aortic calcification and abnormal dentition. Identifiers: Orphanet 85191, MedGen C4225427, MONDO:0024535, OMIM 182250.
Aicardi-Goutieres syndrome 7 (AGS7). Identifiers: Orphanet 51, MedGen C3888244, MONDO:0014367, OMIM 615846.
Inborn genetic diseases. Identifiers: MedGen C0950123, MeSH D030342.

Allele frequency attached by ClinVar (database versions not stated): gnomAD 0.00001; gnomAD exomes 0.00002; ExAC 0.00003; TOPMed 0.00005; ESP Exome Variant Server 0.00008.
gnomAD v4.1: 27 of 1,590,586 alleles (0.0017%); highest among the groups gnomAD compares: Non-Finnish European, 0.0023%; no homozygotes.

Submissions (4):

PreventionGenetics, part of Exact Sciences
Classification: Uncertain significance for IFIH1-related condition. Last evaluated: 2026-07-19. Review status: criteria provided, single submitter. Criteria: ACMG Guidelines, 2015. Collection method: clinical testing. Allele origin: germline.
Comment: The IFIH1 c.1927G>T variant is predicted to result in the amino acid substitution p.Asp643Tyr. To our knowledge, this variant has not been reported in the literature. This variant is present in 0.0044% of alleles in individuals of European (Non-Finnish) descent in gnomAD. At this time, the clinical significance of this variant is uncertain due to the absence of conclusive functional and genetic evidence.

Women's Health and Genetics/Laboratory Corporation of America, LabCorp
Classification: Uncertain significance. Last evaluated: 2025-10-07. Review status: criteria provided, single submitter. Criteria: LabCorp Variant Classification Summary - May 2015. Collection method: clinical testing. Allele origin: germline.
Comment: Variant summary: IFIH1 c.1927G>T (p.Asp643Tyr) results in a non-conservative amino acid change in the encoded protein sequence. Algorithms developed to predict the effect of missense changes on protein structure and function are either unavailable or do not agree on the potential impact of this missense change. The variant allele was found at a frequency of 2e-05 in 249996 control chromosomes, predominantly at a frequency of 4.4e-05 within the Non-Finnish European subpopulation in the gnomAD database. The available data on variant occurrences in the general population are insufficient to allow any conclusion about variant significance. To our knowledge, no occurrence of c.1927G>T in individuals affected with IFIH1-related conditions and no experimental evidence demonstrating its impact on protein function have been reported. ClinVar contains an entry for this variant (Variation ID: 855766). Based on the evidence outlined above, the variant was classified as uncertain significance.

Labcorp Genetics (formerly Invitae), Labcorp
Classification: Uncertain significance for Aicardi-Goutieres syndrome 7; Singleton-Merten syndrome 1. Last evaluated: 2025-05-06. Review status: criteria provided, single submitter. Criteria: Invitae Variant Classification Sherloc (09022015). Collection method: clinical testing. Allele origin: germline.
Comment: This sequence change replaces aspartic acid, which is acidic and polar, with tyrosine, which is neutral and polar, at codon 643 of the IFIH1 protein (p.Asp643Tyr). This variant is present in population databases (rs376940981, gnomAD 0.005%). This variant has not been reported in the literature in individuals affected with IFIH1-related conditions. This missense change has been observed in at least one individual who was not affected with IFIH1-related conditions (internal data). ClinVar contains an entry for this variant (Variation ID: 855766). Invitae Evidence Modeling of protein sequence and biophysical properties (such as structural, functional, and spatial information, amino acid conservation, physicochemical variation, residue mobility, and thermodynamic stability) has been performed for this missense variant. However, the output from this modeling did not meet the statistical confidence thresholds required to predict the impact of this variant on IFIH1 protein function. In summary, the available evidence is currently insufficient to determine the role of this variant in disease. Therefore, it has been classified as a Variant of Uncertain Significance.

Ambry Genetics
Classification: Uncertain significance for Inborn genetic diseases. Last evaluated: 2022-08-01. Review status: criteria provided, single submitter. Criteria: Ambry Variant Classification Scheme 2023. Collection method: clinical testing. Allele origin: germline.

NM_022168.4(IFIH1):c.1927G>T (p.Asp643Tyr)

Gene: IFIH1 (interferon induced with helicase C domain 1; minus strand). Cytogenetic location: 2q24.2.
Variant type: single nucleotide variant.
Coding change: c.1927G>T on transcript NM_022168.4 (MANE Select); coding-DNA position 1927, G replaced by T.
Protein change: p.Asp643Tyr; replaces aspartic acid 643 with tyrosine.
Molecular consequence: missense variant.
Genome position (GRCh38, 1-based): chr2:162,277,532, C>A on the plus strand (G>T on the coding strand, the complement: IFIH1 is on the minus strand). VCF-style: chr2-162277532-C-A. GRCh37 (hg19) VCF-style: chr2-163134042-C-A.
Other names: c.1927G>T (NM_022168.2); short protein forms D643Y.
Identifiers: ClinVar variation 855766 (VCV000855766.12), dbSNP rs376940981, ClinGen allele CA1934351.